The following is an entry in ClinVar:

ClinVar aggregate classification (germline): Likely pathogenic (1 of 4 stars; one submission).

Submission:

Centre of Medical Genetics, University Hospital Muenster
Classification: Likely pathogenic. Last evaluated: 2023-01-13. Review status: criteria provided, single submitter. Criteria: ACMG Guidelines, 2015. Collection method: clinical testing. Allele origin: unknown. Affected: yes. Observed: 1 variant allele.
Comment: ACMG categories: PVS1,PM2

NM_001042492.3(NF1):c.2121del (p.Met707fs)

Gene: NF1 (neurofibromin 1; plus strand). Cytogenetic location: 17q11.2.
Variant type: Deletion.
Coding change: c.2121del on transcript NM_001042492.3 (MANE Select); coding-DNA position 2121, one base deleted (G; older notation c.2121delG).
Protein change: p.Met707fs; shifts the reading frame from methionine 707.
Molecular consequence: frameshift variant.
Genome position (GRCh38, 1-based): chr17:31,226,554, G deleted. VCF-style (leftmost placement, unchanged base first): chr17-31226553-TG-T. GRCh37 (hg19) VCF-style: chr17-29553571-TG-T.
Other names: c.2121delG, p.Met707Ilefs (NM_000267.4); short protein forms M707fs.
Identifiers: ClinVar variation 2504125 (VCV002504125.2), dbSNP rs2508156500, ClinGen allele CA2580614065.
Genomic context (GRCh38, chr17:31,226,553, plus strand): 5'-TAGAAGTGGCCCTGTACATGTTTCTGTGGAACCCTGACACTGAAGCTGTTCTGGTTGCCA[TG>T]TCCTGTTTCCGCCACCTCTGTGAGGAAGCAGATATCCGGTGTGGGGTGGATGAAGTGTCA-3'